The following is an entry in ClinVar:

NM_000127.3(EXT1):c.659G>A (p.Ser220Asn)

Gene: EXT1 (exostosin glycosyltransferase 1; minus strand). Cytogenetic location: 8q24.11.
Variant type: single nucleotide variant.
Coding change: c.659G>A on transcript NM_000127.3 (MANE Select); coding-DNA position 659, G replaced by A.
Protein change: p.Ser220Asn; replaces serine 220 with asparagine.
Molecular consequence: missense variant.
Genome position (GRCh38, 1-based): chr8:118,110,388, C>T on the plus strand (G>A on the coding strand, the complement: EXT1 is on the minus strand). VCF-style: chr8-118110388-C-T. GRCh37 (hg19) VCF-style: chr8-119122627-C-T.
Other names: short protein forms S220N.
Identifiers: ClinVar variation 2136702 (VCV002136702.4), dbSNP rs2130042381, ClinGen allele CA371915343.

ClinVar aggregate classification (germline): Likely pathogenic (1 of 4 stars; one submission).

Conditions:
Multiple congenital exostosis (EXT). Also called: MULTIPLE CARTILAGINOUS EXOSTOSES; Hereditary multiple exostoses; Hereditary multiple exostosis; Multiple exostoses; Multiple osteochondromas; Hereditary multiple osteochondromas. Identifiers: Orphanet 321, MedGen C0015306, MONDO:0005508, HP:0002762.

Submission:

Labcorp Genetics (formerly Invitae), Labcorp
Classification: Likely pathogenic for Multiple congenital exostosis. Last evaluated: 2022-12-30. Review status: criteria provided, single submitter. Criteria: Invitae Variant Classification Sherloc (09022015). Collection method: clinical testing. Allele origin: germline.
Comment: In summary, the currently available evidence indicates that the variant is pathogenic, but additional data are needed to prove that conclusively. Therefore, this variant has been classified as Likely Pathogenic. Advanced modeling of protein sequence and biophysical properties (such as structural, functional, and spatial information, amino acid conservation, physicochemical variation, residue mobility, and thermodynamic stability) performed at Invitae indicates that this missense variant is expected to disrupt EXT1 protein function. This missense change has been observed in individual(s) with multiple exostoses and/or multiple osteochondromas (PMID: 19810120, 23262345, 29126381, 30334991; Invitae). This variant is not present in population databases (gnomAD no frequency). This sequence change replaces serine, which is neutral and polar, with asparagine, which is neutral and polar, at codon 220 of the EXT1 protein (p.Ser220Asn).

Literature cited by the submitters: PubMed 19810120; PubMed 23262345; PubMed 29126381; PubMed 30334991.